The following is an entry in ClinVar:

NM_004064.5(CDKN1B):c.232del (p.Glu78fs)

Gene: CDKN1B (cyclin dependent kinase inhibitor 1B; plus strand). Cytogenetic location: 12p13.1.
Variant type: Deletion.
Coding change: c.232del on transcript NM_004064.5 (MANE Select); coding-DNA position 232, one base deleted (G; older notation c.232delG).
Protein change: p.Glu78fs; shifts the reading frame from glutamic acid 78.
Molecular consequence: frameshift variant.
Genome position (GRCh38, 1-based): chr12:12,718,071, G deleted. VCF-style (leftmost placement, unchanged base first): chr12-12718070-AG-A. GRCh37 (hg19) VCF-style: chr12-12871004-AG-A.
Other names: short protein forms E78fs.
Identifiers: ClinVar variation 2565426 (VCV002565426.2), dbSNP rs2497404772, ClinGen allele CA2580615137.

ClinVar aggregate classification (germline): Pathogenic (1 of 4 stars; one submission).

Conditions:
Hereditary cancer-predisposing syndrome. Also called: Neoplastic Syndromes, Hereditary; Hereditary Cancer Syndrome; Hereditary neoplastic syndrome; Tumor predisposition. Identifiers: Orphanet 140162, MedGen C0027672, MeSH D009386, MONDO:0015356.

Submission:

Ambry Genetics
Classification: Pathogenic for Hereditary cancer-predisposing syndrome. Last evaluated: 2023-05-24. Review status: criteria provided, single submitter. Criteria: Ambry Variant Classification Scheme 2023. Collection method: clinical testing. Allele origin: germline.
Comment: The c.232delG pathogenic mutation, located in coding exon 1 of the CDKN1B gene, results from a deletion of one nucleotide at nucleotide position 232, causing a translational frameshift with a predicted alternate stop codon (p.E78Rfs*41). This variant is considered to be rare based on population cohorts in the Genome Aggregation Database (gnomAD). This alteration is expected to result in loss of function by premature protein truncation or nonsense-mediated mRNA decay. As such, this alteration is interpreted as a disease-causing mutation.